The following is an entry in ClinVar:

ClinVar aggregate classification (germline): Uncertain significance (1 of 4 stars; one submission).

Submission:

Women's Health and Genetics/Laboratory Corporation of America, LabCorp
Classification: Uncertain significance. Last evaluated: 2025-07-22. Review status: criteria provided, single submitter. Criteria: LabCorp Variant Classification Summary - May 2015. Collection method: clinical testing. Allele origin: germline.
Comment: Variant summary: CUL4B c.555C>G (p.Ser185Arg) results in a non-conservative amino acid change in the encoded protein sequence. Algorithms developed to predict the effect of missense changes on protein structure and function are either unavailable or do not agree on the potential impact of this missense change. The variant was absent in 183482 control chromosomes. The available data on variant occurrences in the general population are insufficient to allow any conclusion about variant significance. To our knowledge, no occurrence of c.555C>G in individuals affected with X-linked intellectual disability Cabezas type and no experimental evidence demonstrating its impact on protein function have been reported. No submitters have cited clinical-significance assessments for this variant to ClinVar. Based on the evidence outlined above, the variant was classified as uncertain significance.

NM_001079872.2(CUL4B):c.501C>G (p.Ser167Arg)

Genes: CUL4B (cullin 4B; minus strand), LOC113845788 (Sharpr-MPRA regulatory region 11856; plus strand). Cytogenetic location: Xq24.
Variant type: single nucleotide variant.
Coding change: c.501C>G on transcript NM_001079872.2 (MANE Select); coding-DNA position 501, C replaced by G.
Protein change: p.Ser167Arg; replaces serine 167 with arginine.
Molecular consequence: missense variant.
Genome position (GRCh38, 1-based): chrX:120,560,138, G>C on the plus strand (C>G on the coding strand, the complement: CUL4B is on the minus strand). VCF-style: chrX-120560138-G-C. GRCh37 (hg19) VCF-style: chrX-119693993-G-C.
Other names: c.516C>G, p.Ser172Arg (NM_001330624.2); c.555C>G, p.Ser185Arg (NM_003588.4); short protein forms S167R, S172R, S185R.
Identifiers: ClinVar variation 4525700 (VCV004525700.1).